The following continues an entry in ClinVar:

NM_004360.5(CDH1):c.1680G>C (p.Thr560=)

Gene: CDH1. ClinVar aggregate classification (germline): Benign/Likely benign. Benign (16); Likely benign (5).

Submissions 25 to 30 of 30:

Department of Pathology and Laboratory Medicine, Sinai Health System
Classification: Likely benign. Review status: no assertion criteria provided. Collection method: clinical testing. Allele origin: unknown. Affected: yes. Study: The Canadian Open Genetics Repository (COGR). Not counted in ClinVar's aggregate classification.
Comment: The CDH1 p.Thr560= variant was identified in the literature in 1 of 20 normal chromosomes (frequency: 0.025); however the frequency of this variant in an affected population was not provided (Berx 1997). The variant was also identified in dbSNP (ID: rs35741240) as â€šÃ„ÃºWith Likely benign, other alleleâ€šÃ„Ã¹, in the ClinVar database as benign by GeneDx, Ambry Genetics, EGL Genetic Diagnostics, Invitae, ARUP Laboratories and as likely benign by Illumina Clinical Services; in the Clinvitae database as benign by EmyClass; and in the Cosmic and in Zhejiang Colon Cancer Databases 1X in haemangioblastoma. The variant was not identified in MutDB or the Insight Colon Cancer Gene Variant databases. The variant was further identified in the 1000 Genomes Project in 9 of 5000 chromosomes (frequency: 0.002) and in the NHLBI GO Exome Sequencing Project in 25 of 8600 European American and 3 in 4396 in African American alleles. The variant was identified in control databases in 925 of 277220 chromosomes (4 homozygous) at a frequency of 0.003 increasing the likelihood this could be a low frequency benign variant (Genome Aggregation Database Feb 27, 2017). Breakdown of the observations by population include African in 19 of 24022 chromosomes (freq: 0.0008), other in 14 of 6464 chromosomes (freq: 0.002), Latino in 46 of 34420 chromosomes (freq: 0.001), European Non-Finnish in 573 of 126722 chromosomes (freq: 0.004), Ashkenazi Jewish in 8 of 10152 chromosomes (freq: 0.0008), East Asian in 2 of 18868 chromosomes (freq: 0.0001), European Finnish in 52 of 25794 chromosomes (freq: 0.002), and South Asian in 211 of 30778 chromosomes (freq: 0.007). The p.Thr560= variant is not expected to have clinical significance because it does not result in a change of amino acid and is not located in a known consensus splice site. In addition, in silico or computational prediction software programs (SpliceSiteFinder, MaxEntScan, NNSPLICE, GeneSplicer, HumanSpliceFinder) do not predict a difference in splicing. In summary, based on the above information the clinical significance of this variant cannot be determined with certainty at this time although we would lean towards a more benign role for this variant. This variant is classified as likely benign.

Diagnostic Laboratory, Department of Genetics, University Medical Center Groningen
Classification: Likely benign. Review status: no assertion criteria provided. Collection method: clinical testing. Allele origin: germline. Affected: yes. Study: VKGL Data-share Consensus. Not counted in ClinVar's aggregate classification.

Genome Diagnostics Laboratory, Amsterdam University Medical Center
Classification: Likely benign. Review status: no assertion criteria provided. Collection method: clinical testing. Allele origin: germline. Affected: yes. Study: VKGL Data-share Consensus. Not counted in ClinVar's aggregate classification.

Joint Genome Diagnostic Labs from Nijmegen and Maastricht, Radboudumc and MUMC+
Classification: Benign. Review status: no assertion criteria provided. Collection method: clinical testing. Allele origin: germline. Affected: yes. Study: VKGL Data-share Consensus. Not counted in ClinVar's aggregate classification.

Laboratory of Diagnostic Genome Analysis, Leiden University Medical Center (LUMC)
Classification: Likely benign. Review status: no assertion criteria provided. Collection method: clinical testing. Allele origin: germline. Affected: yes. Study: VKGL Data-share Consensus. Not counted in ClinVar's aggregate classification.

Mayo Clinic Laboratories, Mayo Clinic
Classification: Benign. Review status: no assertion criteria provided. Collection method: clinical testing. Allele origin: unknown. Not counted in ClinVar's aggregate classification.

Literature cited by the submitters: PubMed 36436516 (cited by European Reference Network on Genetic Tumour Risk Syndromes (ERN-GENTURIS), i3s - Instituto de Investigação e Inovação em Saúde, University of Porto); PubMed 26182300 (cited by University of Washington Department of Laboratory Medicine, University of Washington).